The following is an entry in ClinVar:

ClinVar aggregate classification (germline): Pathogenic (1 of 4 stars; one submission).

Conditions:
Congenital lipoid adrenal hyperplasia due to STAR deficency. Also called: ADRENAL HYPERPLASIA I; Cholesterol monooxygenase (side-chain cleaving) deficiency; Congenital Lipoid Adrenal Hyperplasia; Lipoid adrenal hyperplasia. Identifiers: Orphanet 418, Orphanet 90790, MedGen C0342474, MONDO:0008725, OMIM 201710.

Submission:

Myriad Genetics, Inc.
Classification: Pathogenic for Congenital lipoid adrenal hyperplasia due to STAR deficency. Last evaluated: 2023-09-27. Review status: criteria provided, single submitter. Criteria: Myriad Autosomal Dominant, Autosomal Recessive and X-Linked Classification Criteria (2023). Collection method: clinical testing. Allele origin: unknown.
Comment: NM_000349.2(STAR):c.88dupG(A30Gfs*17) is expected to be pathogenic in the context of lipoid congenital adrenal hyperplasia. This variant is predicted to lead to an abnormal or absent protein product due to the creation of a premature termination codon in STAR, a gene where loss-of-function variants are known to be pathogenic. Please note: this variant was assessed in the context of healthy population screening.

NM_000349.3(STAR):c.88dup (p.Ala30fs)

Gene: STAR (steroidogenic acute regulatory protein; minus strand). Cytogenetic location: 8p11.23.
Variant type: Duplication.
Coding change: c.88dup on transcript NM_000349.3 (MANE Select); coding-DNA position 88, one base duplicated (G; older notation c.88dupG).
Protein change: p.Ala30fs; shifts the reading frame from alanine 30.
Molecular consequence: frameshift variant.
Genome position (GRCh38, 1-based): chr8:38,148,731, C duplicated on the plus strand (G on the coding strand, the reverse complement: STAR is on the minus strand); the first of 2 consecutive C bases (chr8:38,148,731-38,148,732); duplicating either gives the same sequence. VCF-style (leftmost placement, unchanged base first): chr8-38148730-G-GC. GRCh37 (hg19) VCF-style: chr8-38006248-G-GC.
Other names: short protein forms A30fs.
Identifiers: ClinVar variation 5012187 (VCV005012187.1).